The following is an entry in ClinVar:

NM_022168.4(IFIH1):c.2465G>C (p.Arg822Pro)

Gene: IFIH1 (interferon induced with helicase C domain 1; minus strand). Cytogenetic location: 2q24.2.
Variant type: single nucleotide variant.
Coding change: c.2465G>C on transcript NM_022168.4 (MANE Select); coding-DNA position 2465, G replaced by C.
Protein change: p.Arg822Pro; replaces arginine 822 with proline.
Molecular consequence: missense variant.
Genome position (GRCh38, 1-based): chr2:162,272,377, C>G on the plus strand (G>C on the coding strand, the complement: IFIH1 is on the minus strand). VCF-style: chr2-162272377-C-G. GRCh37 (hg19) VCF-style: chr2-163128887-C-G.
Other names: short protein forms R822P.
Identifiers: ClinVar variation 3235948 (VCV003235948.1), dbSNP rs376048533, ClinGen allele CA348994565.

ClinVar aggregate classification (germline): Likely pathogenic (1 of 4 stars; one submission).

Conditions:
Singleton-Merten syndrome 1 (SGMRT1). Also called: Widened medullary cavities of bone, aortic calcification, abnormal dentition, and muscular weakness; Syndrome of widened medullary cavities of the metacarpals and phalanges, aortic calcification and abnormal dentition. Identifiers: Orphanet 85191, MedGen C4225427, MONDO:0024535, OMIM 182250.
Aicardi-Goutieres syndrome 7 (AGS7). Identifiers: Orphanet 51, MedGen C3888244, MONDO:0014367, OMIM 615846.

gnomAD v4.1: 1 of 1,611,990 alleles (0.000062%); highest among the groups gnomAD compares: Non-Finnish European, 0.000085%; no homozygotes.

Submission:

New York Genome Center
Classification: Likely pathogenic for Aicardi-Goutieres syndrome 7; Singleton-Merten syndrome 1. Last evaluated: 2023-01-12. Review status: criteria provided, single submitter. Criteria: NYGC Assertion Criteria 2020. Collection method: clinical testing. Allele origin: inherited. Observed: 1 heterozygote. Study: PrenatalSEQ.
Comment: The maternally inherited heterozygous c.2465G>C p.(Arg822Pro) variant in the IFIH1 gene has not previously been reported in the literature or public variant repositories (ClinVar and LOVD) and is absent from population databases (gnomAD v2.1.1 and v3.1.2, TOPMed Freeze 8), suggesting it is not a common benign variant in the populations represented in those databases. The c.2465G>C variant in IFIH1 is located in exon 13 of this 16-exon gene, and predicted to replace an evolutionarily conserved arginine amino acid with proline at position 822 in the Helicase C-terminal domain of the encoded protein. In silico predictions are in favor of damaging effect for p.(Arg822Pro) [REVEL = 0.986]. A different amino acid change at the same position (c.2465G>A p.(Arg822Gln)) has been deposited in ClinVar as Pathogenic [ClinVarID:189338, multiple submissions] and it has been reported in families with Singleton-Merten syndrome (de novo or inherited with variable interfamilial and intrafamilial phenotypes) [PMID: 25620204, 35410415, 28319323, 35754802, 27943079]; de novo in a patient with Aicardi-Goutières syndrome [PMID: 28475458]; and de novo in a patient with developmental delay, spastic dystonia and intracranial calcifications [PMID: 31898846]. Interferon activity is often abnormal in individuals with pathogenic IFIH1 variants, and assessment of these laboratory parameters may be useful in further delineating the pathogenicity of this variant. Based on available evidence, this maternally inherited c.2465G>C p.(Arg822Pro) variant identified in IFIH1 is classified here as Likely Pathogenic.